The following is an entry in ClinVar:

ClinVar aggregate classification (germline): Conflicting classifications of pathogenicity. Review status: criteria provided, conflicting classifications (1 of 4 stars). 4 submissions from 4 submitters: Uncertain significance (2); Likely benign (2). Last evaluated 2025-12-28.

Conditions:
Dilated cardiomyopathy 1AA (CMD1AA). Also called: Cardiomyopathy, dilated, 1AA, with or without LVNC; CARDIOMYOPATHY, DILATED, 1AA, WITH OR WITHOUT LEFT VENTRICULAR NONCOMPACTION; CARDIOMYOPATHY, FAMILIAL HYPERTROPHIC, 23, WITH OR WITHOUT LEFT VENTRICULAR NONCOMPACTION. Identifiers: Orphanet 154, MedGen C2677338, MONDO:0012808, OMIM 612158.
Myopathy, congenital, with structured cores and z-line abnormalities. Also called: MULTIPLE STRUCTURED CORE DISEASE; CONGENITAL MYOPATHY 8. Identifiers: MedGen C5231445, MONDO:0032852, OMIM 618654.
Myopathy, distal, 6, adult-onset, autosomal dominant. Identifiers: MedGen C5203349, MONDO:0032853, OMIM 618655.
Primary familial hypertrophic cardiomyopathy (HCM). Identifiers: Orphanet 99739, MedGen C0949658, MeSH D024741, MONDO:0024573. Inheritance: Various modes of inheritance.
Cardiovascular phenotype. Identifiers: MedGen CN230736.

Allele frequency attached by ClinVar (database versions not stated): gnomAD exomes 0.00001 and 0.00002; ExAC 0.00002; TOPMed 0.00002.
gnomAD v4.1: 5 of 1,614,222 alleles (0.00031%); highest among the groups gnomAD compares: Admixed American, 0.0083%; no homozygotes.

Submissions (4):

Labcorp Genetics (formerly Invitae), Labcorp
Classification: Likely benign for Primary familial hypertrophic cardiomyopathy; Dilated cardiomyopathy 1AA. Last evaluated: 2025-12-28. Review status: criteria provided, single submitter. Criteria: Invitae Variant Classification Sherloc (09022015). Collection method: clinical testing. Allele origin: germline.

Ambry Genetics
Classification: Likely benign for Cardiovascular phenotype. Last evaluated: 2025-09-15. Review status: criteria provided, single submitter. Criteria: Ambry Variant Classification Scheme 2023. Collection method: clinical testing. Allele origin: germline.

GeneDx
Classification: Uncertain significance. Last evaluated: 2022-11-04. Review status: criteria provided, single submitter. Criteria: GeneDx Variant Classification Process June 2021. Collection method: clinical testing. Allele origin: germline. Affected: yes.
Comment: Has not been previously published as pathogenic or benign to our knowledge; Not observed at significant frequency in large population cohorts (gnomAD); In silico analysis supports that this missense variant does not alter protein structure/function

Fulgent Genetics
Classification: Uncertain significance for Dilated cardiomyopathy 1AA; Myopathy, congenital, with structured cores and z-line abnormalities; Myopathy, distal, 6, adult-onset, autosomal dominant. Last evaluated: 2021-09-07. Review status: criteria provided, single submitter. Criteria: ACMG Guidelines, 2015. Collection method: clinical testing. Allele origin: unknown.

NM_001103.4(ACTN2):c.1117G>A (p.Gly373Ser)

Gene: ACTN2 (actinin alpha 2; plus strand). Cytogenetic location: 1q43.
Variant type: single nucleotide variant.
Coding change: c.1117G>A on transcript NM_001103.4 (MANE Select); coding-DNA position 1117, G replaced by A.
Protein change: p.Gly373Ser; replaces glycine 373 with serine.
Molecular consequence: missense variant.
Genome position (GRCh38, 1-based): chr1:236,742,905, G>A. VCF-style: chr1-236742905-G-A. GRCh37 (hg19) VCF-style: chr1-236906205-G-A.
Other names: c.1117G>A (NM_001103.2); c.1117G>A, p.Gly373Ser (NM_001278343.2); c.493G>A, p.Gly165Ser (NM_001278344.2); short protein forms G165S, G373S.
Identifiers: ClinVar variation 1502253 (VCV001502253.10), dbSNP rs769980647, ClinGen allele CA1473063.